The following is an entry in ClinVar:

ClinVar aggregate classification (germline): Uncertain significance. Review status: criteria provided, multiple submitters, no conflicts (2 of 4 stars). 2 submissions from 2 submitters: Uncertain significance (2). Last evaluated 2025-11-05.

Conditions:
Pulmonary fibrosis and/or bone marrow failure, Telomere-related, 3. Also called: PULMONARY FIBROSIS AND/OR BONE MARROW FAILURE SYNDROME, TELOMERE-RELATED, 3. Identifiers: Orphanet 2032, MedGen C4225346, MONDO:0014613, OMIM 616373.
Dyskeratosis congenita, autosomal recessive 5 (DKCB5). Identifiers: MedGen C3554656, MONDO:0014076, OMIM 615190.

Allele frequency attached by ClinVar (database versions not stated): TOPMed 0.00002; ExAC 0.00003; ESP Exome Variant Server 0.00008.
gnomAD v4.1: 63 of 1,612,494 alleles (0.0039%); highest among the groups gnomAD compares: Middle Eastern, 0.016%; no homozygotes.

Submissions (2):

Labcorp Genetics (formerly Invitae), Labcorp
Classification: Uncertain significance for Dyskeratosis congenita, autosomal recessive 5; Pulmonary fibrosis and/or bone marrow failure, Telomere-related, 3. Last evaluated: 2025-11-05. Review status: criteria provided, single submitter. Criteria: Invitae Variant Classification Sherloc (09022015). Collection method: clinical testing. Allele origin: germline.
Comment: This sequence change replaces arginine, which is basic and polar, with glutamine, which is neutral and polar, at codon 574 of the RTEL1 protein (p.Arg574Gln). This variant is present in population databases (rs376751622, gnomAD 0.007%). This variant has not been reported in the literature in individuals affected with RTEL1-related conditions. This variant is also known as c.1793G>A (p.Arg598Gln). ClinVar contains an entry for this variant (Variation ID: 2145912). An algorithm developed to predict the effect of missense changes on protein structure and function outputs the following: PolyPhen-2: "Benign". The glutamine amino acid residue is found in multiple mammalian species, which suggests that this missense change does not adversely affect protein function. In summary, the available evidence is currently insufficient to determine the role of this variant in disease. Therefore, it has been classified as a Variant of Uncertain Significance.

GeneDx
Classification: Uncertain significance. Last evaluated: 2025-08-15. Review status: criteria provided, single submitter. Criteria: GeneDx Variant Classification Process June 2021. Collection method: clinical testing. Allele origin: germline. Affected: yes.
Comment: Not observed at significant frequency in large population cohorts (gnomAD); In silico analysis suggests that this missense variant does not alter protein structure/function; Has not been previously published as pathogenic or benign to our knowledge

NM_001283009.2(RTEL1):c.1721G>A (p.Arg574Gln)

Genes: RTEL1 (regulator of telomere elongation helicase 1; plus strand), RTEL1-TNFRSF6B (RTEL1-TNFRSF6B readthrough (NMD candidate); plus strand). Cytogenetic location: 20q13.33.
Variant type: single nucleotide variant.
Coding change: c.1721G>A on transcript NM_001283009.2 (MANE Select); coding-DNA position 1721, G replaced by A.
Protein change: p.Arg574Gln; replaces arginine 574 with glutamine.
Molecular consequence: missense variant. On other transcripts: non-coding transcript variant (1).
Genome position (GRCh38, 1-based): chr20:63,688,385, G>A. VCF-style: chr20-63688385-G-A. GRCh37 (hg19) VCF-style: chr20-62319738-G-A.
Other names: c.1052G>A, p.Arg351Gln (NM_001283010.1); c.1721G>A, p.Arg574Gln (NM_016434.4); c.1793G>A, p.Arg598Gln (NM_032957.5); short protein forms R598Q, R351Q, R574Q.
Identifiers: ClinVar variation 2145912 (VCV002145912.2), dbSNP rs376751622, ClinGen allele CA9964925.
Genomic context (GRCh38, chr20:63,688,385, plus strand): 5'-ATGGGCTCCTGATCTTCTTCCCTTCCTATCCTGTCATGGAGAAGAGCCTGGAGTTCTGGC[G>A]GGTGCGTCTCCCCTGTGTTCTGGGCGGGGTGGGTGAGGGCAGGGCTGGAGCATGAAGCAG-3'
Protein context (NP_001269938.1, residues 564-584): PVMEKSLEFW[Arg574Gln]ARDLARKMEA